The following is an entry in ClinVar:

NM_004247.4(EFTUD2):c.1806del (p.Met603fs)

Gene: EFTUD2 (elongation factor Tu GTP binding domain containing 2; minus strand). Cytogenetic location: 17q21.31.
Variant type: Deletion.
Coding change: c.1806del on transcript NM_004247.4 (MANE Select); coding-DNA position 1806, one base deleted (G; older notation c.1806delG).
Protein change: p.Met603fs; shifts the reading frame from methionine 603.
Molecular consequence: frameshift variant.
Genome position (GRCh38, 1-based): chr17:44,859,959, C deleted on the plus strand (G on the coding strand, the reverse complement: EFTUD2 is on the minus strand). VCF-style (leftmost placement, unchanged base first): chr17-44859958-TC-T. GRCh37 (hg19) VCF-style: chr17-42937326-TC-T.
Other names: c.1701del, p.Met568fs (NM_001142605.2); c.1806del, p.Met603fs (NM_001258353.2); c.1776del, p.Met593fs (NM_001258354.2); short protein forms M568fs, M593fs, M603fs.
Identifiers: ClinVar variation 4294303 (VCV004294303.1).

ClinVar aggregate classification (germline): Pathogenic (1 of 4 stars; one submission).

Conditions:
Mandibulofacial dysostosis-microcephaly syndrome (MFDGA). Also called: Mandibulofacial dysostosis, Guion-Almeida type; Growth and mental retardation, mandibulofacial dysostosis, microcephaly, and cleft palate. Identifiers: Orphanet 79113, MedGen C1864652, MONDO:0012516, OMIM 610536.

Submission:

Institute of Human Genetics, Heidelberg University
Classification: Pathogenic for Mandibulofacial dysostosis-microcephaly syndrome. Last evaluated: 2025-08-29. Review status: criteria provided, single submitter. Criteria: ACMG Guidelines, 2015. Collection method: clinical testing. Allele origin: unknown. Affected: yes. Observed: 1 variant allele.
Comment: PVS1_vs, PM2_supp, PP4_supp